The following is an entry in ClinVar:

NC_000023.10:g.(?_135104735)_(135106652_?)del

Gene: SLC9A6 (solute carrier family 9 member A6; plus strand). Cytogenetic location: Xq26.3.
Variant type: Deletion.
Identifiers: ClinVar variation 1074430 (VCV001074430.1).

ClinVar aggregate classification (germline): Pathogenic (1 of 4 stars; one submission).

Conditions:
Christianson syndrome (MRXSCH). Also called: X-linked mental retardation, syndromic, Christianson type; SLC9A6-Related Syndromic Mental Retardation; INTELLECTUAL DEVELOPMENTAL DISORDER, X-LINKED, SYNDROMIC, CHRISTIANSON TYPE. Identifiers: Orphanet 85278, MedGen C2678194, MONDO:0010278, OMIM 300243.

Submission:

Labcorp Genetics (formerly Invitae), Labcorp
Classification: Pathogenic for Christianson syndrome. Last evaluated: 2020-09-03. Review status: criteria provided, single submitter. Criteria: Invitae Variant Classification Sherloc (09022015). Collection method: clinical testing. Allele origin: germline.
Comment: This variant is an out-of-frame deletion of the genomic region encompassing exon(s) 11-12 of the SLC9A6 gene. This is expected to create a premature translational stop signal and result in an absent or disrupted protein product. This variant has not been reported in the literature in individuals with SLC9A6-related conditions. Loss-of-function variants in SLC9A6 are known to be pathogenic (PMID: 18342287). For these reasons, this variant has been classified as Pathogenic.

Literature cited by the submitters: PubMed 18342287.